The following is an entry in ClinVar:

ClinVar aggregate classification (germline): Uncertain significance (1 of 4 stars; one submission).

Conditions:
Epidermodysplasia verruciformis. Identifiers: Orphanet 302, MedGen C0014522, MONDO:0009176.

Allele frequency attached by ClinVar (database versions not stated): ExAC 0.00008; ESP Exome Variant Server 0.00008; gnomAD 0.00009; TOPMed 0.00014; 1000 Genomes Project 30x 0.00016; 1000 Genomes Project 0.00020.

Submission:

Labcorp Genetics (formerly Invitae), Labcorp
Classification: Uncertain significance for Epidermodysplasia verruciformis. Last evaluated: 2024-07-15. Review status: criteria provided, single submitter. Criteria: Invitae Variant Classification Sherloc (09022015). Collection method: clinical testing. Allele origin: germline.
Comment: This sequence change replaces arginine, which is basic and polar, with histidine, which is basic and polar, at codon 280 of the TMC8 protein (p.Arg280His). This variant is present in population databases (rs199502890, gnomAD 0.04%). This variant has not been reported in the literature in individuals affected with TMC8-related conditions. ClinVar contains an entry for this variant (Variation ID: 2062433). Advanced modeling of protein sequence and biophysical properties (such as structural, functional, and spatial information, amino acid conservation, physicochemical variation, residue mobility, and thermodynamic stability) performed at Invitae indicates that this missense variant is not expected to disrupt TMC8 protein function with a negative predictive value of 80%. In summary, the available evidence is currently insufficient to determine the role of this variant in disease. Therefore, it has been classified as a Variant of Uncertain Significance.

NM_152468.5(TMC8):c.839G>A (p.Arg280His)

Gene: TMC8 (transmembrane channel like 8; plus strand). Cytogenetic location: 17q25.3.
Variant type: single nucleotide variant.
Coding change: c.839G>A on transcript NM_152468.5 (MANE Select); coding-DNA position 839, G replaced by A.
Protein change: p.Arg280His; replaces arginine 280 with histidine.
Molecular consequence: missense variant.
Genome position (GRCh38, 1-based): chr17:78,134,416, G>A. VCF-style: chr17-78134416-G-A. GRCh37 (hg19) VCF-style: chr17-76130497-G-A.
Other names: short protein forms R280H.
Identifiers: ClinVar variation 2062433 (VCV002062433.2), dbSNP rs199502890, ClinGen allele CA8796634.
Genomic context (GRCh38, chr17:78,134,416, plus strand): 5'-CCGCCTGCAGCTGCCTCTGTCCCCACCCTTCCGGGCAGGTGGAGCTGGAGGAGGGCCGTC[G>A]CTTCCAGCTGATGCAGCAGCAGACCCGGGCCCAGACGGCCTGCCGCCTGCTCTCCTACCT-3'
Protein context (NP_689681.2, residues 270-290): EFKVELEEGR[Arg280His]FQLMQQQTRA